The following is an entry in ClinVar:

ClinVar aggregate classification (germline): Uncertain significance. Review status: criteria provided, multiple submitters, no conflicts (2 of 4 stars). 2 submissions from 2 submitters: Uncertain significance (2). Last evaluated 2024-01-29.

Conditions:
Blau syndrome (BLAUS). Also called: ARTHROCUTANEOUVEAL GRANULOMATOSIS; GRANULOMATOSIS, FAMILIAL JUVENILE SYSTEMIC; GRANULOMATOSIS, FAMILIAL, BLAU TYPE; GRANULOMATOUS INFLAMMATORY ARTHRITIS, DERMATITIS, AND UVEITIS, FAMILIAL; JABS SYNDROME. Identifiers: Orphanet 90340, MedGen C5201146, MONDO:0008523, OMIM 186580.
Regional enteritis. Also called: Enteritis, Granulomatous. Identifiers: MedGen C0678202, MeSH D003424.

gnomAD v4.1: 1 of 1,613,270 alleles (0.000062%); highest among the groups gnomAD compares: Non-Finnish European, 0.000085%; no homozygotes.

Submissions (2):

GeneDx
Classification: Uncertain significance. Last evaluated: 2024-01-29. Review status: criteria provided, single submitter. Criteria: GeneDx Variant Classification Process June 2021. Collection method: clinical testing. Allele origin: germline. Affected: yes.
Comment: Not observed at significant frequency in large population cohorts (gnomAD); In silico analysis supports that this missense variant has a deleterious effect on protein structure/function; Has not been previously published as pathogenic or benign to our knowledge

Labcorp Genetics (formerly Invitae), Labcorp
Classification: Uncertain significance for Regional enteritis; Blau syndrome. Last evaluated: 2022-06-14. Review status: criteria provided, single submitter. Criteria: Invitae Variant Classification Sherloc (09022015). Collection method: clinical testing. Allele origin: germline.
Comment: In summary, the available evidence is currently insufficient to determine the role of this variant in disease. Therefore, it has been classified as a Variant of Uncertain Significance. Advanced modeling of protein sequence and biophysical properties (such as structural, functional, and spatial information, amino acid conservation, physicochemical variation, residue mobility, and thermodynamic stability) performed at Invitae indicates that this missense variant is not expected to disrupt NOD2 protein function. This variant has not been reported in the literature in individuals affected with NOD2-related conditions. This variant is not present in population databases (gnomAD no frequency). This sequence change replaces arginine, which is basic and polar, with leucine, which is neutral and non-polar, at codon 716 of the NOD2 protein (p.Arg716Leu).

NM_001370466.1(NOD2):c.2066G>T (p.Arg689Leu)

Gene: NOD2 (nucleotide binding oligomerization domain containing 2; plus strand). Cytogenetic location: 16q12.1.
Variant type: single nucleotide variant.
Coding change: c.2066G>T on transcript NM_001370466.1 (MANE Select); coding-DNA position 2066, G replaced by T.
Protein change: p.Arg689Leu; replaces arginine 689 with leucine.
Molecular consequence: missense variant. On other transcripts: non-coding transcript variant (1).
Genome position (GRCh38, 1-based): chr16:50,712,058, G>T. VCF-style: chr16-50712058-G-T. GRCh37 (hg19) VCF-style: chr16-50745969-G-T.
Other names: c.2066G>T, p.Arg689Leu (NM_001293557.2); c.2147G>T, p.Arg716Leu (NM_022162.3); short protein forms R716L, R689L.
Identifiers: ClinVar variation 2003104 (VCV002003104.5), dbSNP rs200035357, ClinGen allele CA395871093.